The following is an entry in ClinVar:

NM_000094.4(COL7A1):c.2489A>C (p.Glu830Ala)

Gene: COL7A1 (collagen type VII alpha 1 chain; minus strand). Cytogenetic location: 3p21.31.
Variant type: single nucleotide variant.
Coding change: c.2489A>C on transcript NM_000094.4 (MANE Select); coding-DNA position 2489, A replaced by C.
Protein change: p.Glu830Ala; replaces glutamic acid 830 with alanine.
Molecular consequence: missense variant.
Genome position (GRCh38, 1-based): chr3:48,588,740, T>G on the plus strand (A>C on the coding strand, the complement: COL7A1 is on the minus strand). VCF-style: chr3-48588740-T-G. GRCh37 (hg19) VCF-style: chr3-48626173-T-G.
Other names: short protein forms E830A.
Identifiers: ClinVar variation 2999600 (VCV002999600.3), dbSNP rs771041852, ClinGen allele CA2380870.

ClinVar aggregate classification (germline): Uncertain significance (1 of 4 stars; one submission).

Allele frequency attached by ClinVar (database versions not stated): gnomAD 0.00001; gnomAD exomes 0.00001; ExAC 0.00002.
gnomAD v4.1: 16 of 1,613,790 alleles (0.00099%); highest among the groups gnomAD compares: Non-Finnish European, 0.0014%; no homozygotes.

Submission:

Labcorp Genetics (formerly Invitae), Labcorp
Classification: Uncertain significance. Last evaluated: 2023-09-01. Review status: criteria provided, single submitter. Criteria: Invitae Variant Classification Sherloc (09022015). Collection method: clinical testing. Allele origin: germline.
Comment: This sequence change replaces glutamic acid, which is acidic and polar, with alanine, which is neutral and non-polar, at codon 830 of the COL7A1 protein (p.Glu830Ala). In summary, the available evidence is currently insufficient to determine the role of this variant in disease. Therefore, it has been classified as a Variant of Uncertain Significance. Advanced modeling of protein sequence and biophysical properties (such as structural, functional, and spatial information, amino acid conservation, physicochemical variation, residue mobility, and thermodynamic stability) performed at Invitae indicates that this missense variant is not expected to disrupt COL7A1 protein function. This variant has not been reported in the literature in individuals affected with COL7A1-related conditions. This variant is present in population databases (rs771041852, gnomAD 0.003%).